The following is an entry in ClinVar:

ClinVar aggregate classification (germline): Uncertain significance (1 of 4 stars; one submission).

Conditions:
Inborn genetic diseases. Identifiers: MedGen C0950123, MeSH D030342.

Submission:

Ambry Genetics
Classification: Uncertain significance for Inborn genetic diseases. Last evaluated: 2026-03-04. Review status: criteria provided, single submitter. Criteria: Ambry Variant Classification Scheme 2023. Collection method: clinical testing. Allele origin: germline.
Comment: The c.6244-7A>G intronic alteration consists of a A to G substitution 7 nucleotides before Intron 42 (C) in the TRIO gene. This variant was not reported in population-based cohorts in the Genome Aggregation Database (gnomAD). This nucleotide position is not well conserved in available vertebrate species. In silico splice site analysis predicts that this alteration may weaken the native splice acceptor site and will result in the creation or strengthening of a novel splice acceptor site. Based on insufficient or conflicting evidence, the clinical significance of this alteration remains unclear.

NM_007118.4(TRIO):c.6244-7A>G

Gene: TRIO (trio Rho guanine nucleotide exchange factor; plus strand). Cytogenetic location: 5p15.2.
Variant type: single nucleotide variant.
Coding change: c.6244-7A>G on transcript NM_007118.4 (MANE Select); 7 bases into the intron before coding-DNA position 6244, A replaced by G.
Molecular consequence: intron variant.
Genome position (GRCh38, 1-based): chr5:14,479,912, A>G. VCF-style: chr5-14479912-A-G. GRCh37 (hg19) VCF-style: chr5-14480021-A-G.
Identifiers: ClinVar variation 4840532 (VCV004840532.1).
Genomic context (GRCh38, chr5:14,479,912, plus strand): 5'-ACAAAGACTAAAAAATTGCCCTTTAATGAACAGCCCATACGATCTTTTCTCTCTCTTAAA[A>G]CTGTAGGACTTAAAGCAGCGTCTTGGCCACAGGTTACAGCTCACAGATCTGTTGATCAAA-3'